The following is an entry in ClinVar:

NM_000512.5(GALNS):c.647T>C (p.Phe216Ser)

Gene: GALNS (galactosamine (N-acetyl)-6-sulfatase; minus strand). Cytogenetic location: 16q24.3.
Variant type: single nucleotide variant.
Coding change: c.647T>C on transcript NM_000512.5 (MANE Select); coding-DNA position 647, T replaced by C.
Protein change: p.Phe216Ser; replaces phenylalanine 216 with serine.
Molecular consequence: missense variant.
Genome position (GRCh38, 1-based): chr16:88,835,836, A>G on the plus strand (T>C on the coding strand, the complement: GALNS is on the minus strand). VCF-style: chr16-88835836-A-G. GRCh37 (hg19) VCF-style: chr16-88902244-A-G.
Other names: p.Phe216Ser; c.92T>C, p.Phe31Ser (NM_001323543.2); c.665T>C, p.Phe222Ser (NM_001323544.2); short protein forms F216S, F222S, F31S.
Identifiers: ClinVar variation 1048469 (VCV001048469.20), dbSNP rs747805226, ClinGen allele CA8235037.

ClinVar aggregate classification (germline): Pathogenic/Likely pathogenic. Review status: criteria provided, multiple submitters, no conflicts (2 of 4 stars). 9 submissions from 9 submitters: Pathogenic (6); Likely pathogenic (3). Last evaluated 2026-08-12.

Conditions:
Mucopolysaccharidosis, MPS-IV-A (MPS4A). Also called: Morquio syndrome A, mild; MORQUIO SYNDROME A; GALACTOSAMINE-6-SULFATASE DEFICIENCY; GALNS DEFICIENCY; MORQUIO A DISEASE; MPS IVA. Identifiers: Orphanet 309297, Orphanet 582, MedGen C0086651, MONDO:0009659, OMIM 253000.
Morquio syndrome. Also called: Eccentrochondrodysplasia; Mucopolysaccharidosis, Type IV; MPS IV; Mucopolysaccharidosis type 4. Identifiers: Orphanet 582, MedGen C0026707, MONDO:0018938.

Allele frequency attached by ClinVar (database versions not stated): gnomAD exomes below 0.00001 and 0.00001; ExAC 0.00001.
gnomAD v4.1: 5 of 1,614,100 alleles (0.00031%); highest among the groups gnomAD compares: South Asian, 0.0055%; no homozygotes.

Submissions (9):

Kasturba Medical College, Manipal, Kasturba Medical College, Manipal, Manipal Academy of Higher Education, Manipal, India
Classification: Likely pathogenic for Mucopolysaccharidosis, MPS-IV-A. Last evaluated: 2026-08-12. Review status: criteria provided, single submitter. Criteria: ACMG Guidelines, 2015. Collection method: research. Allele origin: maternal. Inheritance: Autosomal recessive inheritance. Affected: yes. Observed: 1 variant allele, 1 heterozygote.
Comment: This variant is present in five individuals in heterozygous state and absent in homozygous state in gnomAD (v4.1.0). This variant is present in one individual in heterozygous state and absent in homozygous state in our in-house database of 4376 exomes. In-silico analysis tools (REVEL, CADD_phred) predict the variant as disease-causing and likely to affect the GALNS function.

Victorian Clinical Genetics Services, Murdoch Childrens Research Institute
Classification: Pathogenic for Mucopolysaccharidosis, MPS-IV-A. Last evaluated: 2026-01-27. Review status: criteria provided, single submitter. Criteria: ACMG Guidelines, 2015. Collection method: clinical testing. Allele origin: germline.
Comment: This variant is classified as Pathogenic. Evidence in support of pathogenic classification: Variant is present in gnomAD <0.01 for a recessive condition (v4: 5 heterozygote(s), 0 homozygote(s)); This variant has strong previous evidence of pathogenicity in unrelated individuals. This variant has been classified as pathogenic and likely pathogenic by clinical laboratories in ClinVar. It has also been reported in multiple compound heterozygous and homozygous individuals with mucopolysaccharidosis (PMID: 31200731, 25252036). Additional information: Variant is predicted to result in a missense amino acid change from Phe to Ser; This variant is heterozygous; This gene is associated with autosomal recessive disease; Loss of function is a known mechanism of disease in this gene and is associated with mucopolysaccharidosis IVA (MIM#253000).

Women's Health and Genetics/Laboratory Corporation of America, LabCorp
Classification: Pathogenic for Morquio syndrome. Last evaluated: 2025-05-19. Review status: criteria provided, single submitter. Criteria: LabCorp Variant Classification Summary - May 2015. Collection method: clinical testing. Allele origin: germline.
Comment: Variant summary: GALNS c.647T>C (p.Phe216Ser) results in a non-conservative amino acid change in the encoded protein sequence. Algorithms developed to predict the effect of missense changes on protein structure and function all suggest that this variant is likely to be disruptive. The variant allele was found at a frequency of 8e-06 in 251314 control chromosomes. c.647T>C has been observed in multiple individuals affected with Mucopolysaccharidosis Type IVA (Morquio Syndrome A) (Morrone_2014, Bidchol_2014). These data indicate that the variant is very likely to be associated with disease. At least one publication reports experimental evidence evaluating an impact on protein function. The most pronounced variant effect results in 8% of normal activity in an in vitro assay (Morrone_2014). The following publications have been ascertained in the context of this evaluation (PMID: 25252036, 31200731, 24726177). ClinVar contains an entry for this variant (Variation ID: 1048469). Based on the evidence outlined above, the variant was classified as pathogenic.

Labcorp Genetics (formerly Invitae), Labcorp
Classification: Pathogenic for Mucopolysaccharidosis, MPS-IV-A. Last evaluated: 2023-09-27. Review status: criteria provided, single submitter. Criteria: Invitae Variant Classification Sherloc (09022015). Collection method: clinical testing. Allele origin: germline.
Comment: This sequence change replaces phenylalanine, which is neutral and non-polar, with serine, which is neutral and polar, at codon 216 of the GALNS protein (p.Phe216Ser). This variant is present in population databases (rs747805226, gnomAD 0.006%). This missense change has been observed in individual(s) with mucopolysaccharidosis type IVA (PMID: 24726177, 25252036). ClinVar contains an entry for this variant (Variation ID: 1048469). Advanced modeling of protein sequence and biophysical properties (such as structural, functional, and spatial information, amino acid conservation, physicochemical variation, residue mobility, and thermodynamic stability) performed at Invitae indicates that this missense variant is expected to disrupt GALNS protein function. For these reasons, this variant has been classified as Pathogenic.

3billion
Classification: Pathogenic for Mucopolysaccharidosis, MPS-IV-A. Last evaluated: 2023-08-01. Review status: criteria provided, single submitter. Criteria: ACMG Guidelines, 2015. Collection method: clinical testing. Allele origin: germline. Affected: yes.
Comment: The variant is observed at an extremely low frequency in the gnomAD v2.1.1 dataset (total allele frequency: 0.001%). Predicted Consequence/Location: Missense variant In silico tool predictions suggest damaging effect of the variant on gene or gene product (REVEL: 0.98; 3Cnet: 0.99). Same nucleotide change resulting in same amino acid change has been previously reported as pathogenic/likely pathogenic with strong evidence (ClinVar ID: VCV001048469 /PMID: 24726177). The variant has been reported to be in trans with a pathogenic variant as either compound heterozygous or homozygous in at least one similarly affected unrelated individual (PMID: 24726177, 25252036). A different missense change at the same codon (p.Phe216Leu) has been reported to be associated with GALNS related disorder (ClinVar ID: VCV001470668). Therefore, this variant is classified as Pathogenic according to the recommendation of ACMG/AMP guideline.

Genome-Nilou Lab
Classification: Likely pathogenic for Mucopolysaccharidosis, MPS-IV-A. Last evaluated: 2021-11-07. Review status: criteria provided, single submitter. Criteria: ACMG Guidelines, 2015. Collection method: clinical testing. Allele origin: germline. Affected: no.

Foundation for Research in Genetics and Endocrinology, FRIGE's Institute of Human Genetics
Classification: Likely pathogenic for Mucopolysaccharidosis, MPS-IV-A. Last evaluated: 2021-09-20. Review status: criteria provided, single submitter. Criteria: ACMG Guidelines, 2015. Collection method: clinical testing. Allele origin: germline. Inheritance: Autosomal recessive inheritance. Affected: yes. Observed: 1 compound heterozygote.
Comment: A heterozygous missense variation in exon 7 of the GALNS gene that results in the amino acid substitution of Serine for Phenylalanine at codon216 was detected. The observed variant c.647T>C (p.Phe216Ser) has not been reported in 1000 genomes and has a minor allele frequency of 0.0007% in the gnomAD databases. The in silico prediction of the variant is disease causing by DANN, SIFT and MutationTaster. The variant is in trans to a known pathogenic variant in the GALNS gene. The reference codon is conserved across species. In summary, the variant meets our criteria to be classified as a likely pathogenic variant.

Laboratory of Diagnosis and Therapy of Lysosomal Disorders, University of Padova
Classification: Pathogenic for Mucopolysaccharidosis, MPS-IV-A. Last evaluated: 2021-02-01. Review status: criteria provided, single submitter. Criteria: ACMG Guidelines, 2015. Collection method: curation. Allele origin: germline. Affected: yes.
Comment: In vivo functional studies supportive of a damaging effect on the gene product (low to null enzymatic activity in homozygotes; PS3_strong); the prevalence of the variant in affected individuals is significantly increased compared with the prevalence in controls (PS4_strong); very low frequency in gnomAD v2.1.1 (PM2_moderate); multiple lines of computational evidence support a deleterious effect on the gene (PP3_supporting)

Neuberg Centre For Genomic Medicine, NCGM
Classification: Pathogenic for Mucopolysaccharidosis, MPS-IV-A. Review status: criteria provided, single submitter. Criteria: ACMG Guidelines, 2015. Collection method: clinical testing. Allele origin: germline. Inheritance: Autosomal recessive inheritance. Affected: yes.
Comment: The missense variant c.647T>C (p.Phe216Ser) in GALNS gene has been reported previously in homozygous and compound heterozygous states in multiple individuals with mucopolysaccharidosis IVA (Bidchol et al., 2014, Leong et al., 2019; Morrone et al., 2014). Experimental studies support a damaging effect on the gene product (low to null enzymatic activity) (Morrone et al., 2014). It is one of the most common mutation in Indian population (Bidchol et al., 2014). This variant is present with an allele frequency of 0.0008% in gnomAD Exomes. This variant has been submitted to the ClinVar database as Likely pathogenic / Pathogenic. Multiple lines of computational evidence (Polyphen - Probably Damaging, SIFT - Damaging and MutationTaster - Disease causing) predict damaging effect on protein structure and function for this variant. The reference amino acid at this position in GALNS is predicted as conserved by GERP++ and PhyloP across 100 vertebrates. The amino acid Phe at position 216 is changed to a Ser changing protein sequence and it might alter its composition and physico-chemical properties. For these reasons, this variant has been classified as Pathogenic.

Literature cited by the submitters: PubMed 25252036 (cited by 5 submitters); PubMed 24726177 (cited by 4 submitters); PubMed 31200731 (cited by Women's Health and Genetics/Laboratory Corporation of America, LabCorp and Laboratory of Diagnosis and Therapy of Lysosomal Disorders, University of Padova); PubMed 34387910 (cited by Laboratory of Diagnosis and Therapy of Lysosomal Disorders, University of Padova).